The following is an entry in ClinVar:

NM_000180.4(GUCY2D):c.2538G>C (p.Lys846Asn)

Gene: GUCY2D (guanylate cyclase 2D, retinal; plus strand). Cytogenetic location: 17p13.1.
Variant type: single nucleotide variant.
Coding change: c.2538G>C on transcript NM_000180.4 (MANE Select); coding-DNA position 2538, G replaced by C.
Protein change: p.Lys846Asn; replaces lysine 846 with asparagine.
Molecular consequence: missense variant.
Genome position (GRCh38, 1-based): chr17:8,014,726, G>C. VCF-style: chr17-8014726-G-C. GRCh37 (hg19) VCF-style: chr17-7918044-G-C.
Other names: short protein forms K846N.
Identifiers: ClinVar variation 812329 (VCV000812329.8), dbSNP rs1598150539, ClinGen allele CA397953725.

ClinVar aggregate classification (germline): Pathogenic. Review status: criteria provided, single submitter (1 of 4 stars). 2 submissions from 2 submitters: Pathogenic (1). 1 of the submissions does not count toward it. Last evaluated 2025-02-19.

Conditions:
Leber congenital amaurosis 1 (LCA1). Also called: Congenital absence of the rods and cones; Leber's congenital tapetoretinal degeneration; Leber's congenital tapetoretinal dysplasia; AMAUROSIS CONGENITA OF LEBER I; RETINAL BLINDNESS, CONGENITAL. Identifiers: Orphanet 65, MedGen C2931258, MONDO:0008764, OMIM 204000.
Cone-rod dystrophy 6 (CORD6). Also called: Cone dystrophy progressive; RETINAL CONE DYSTROPHY 2. Identifiers: Orphanet 1872, MedGen C1866293, MONDO:0011143, OMIM 601777.
Cone-rod dystrophy. Also called: Cone-rod degeneration; Cone/cone-rod dystrophy. Identifiers: Orphanet 1872, MedGen C4085590, MONDO:0015993, HP:0000548.

Submissions (2):

Labcorp Genetics (formerly Invitae), Labcorp
Classification: Pathogenic for Leber congenital amaurosis 1; Cone-rod dystrophy 6. Last evaluated: 2025-02-19. Review status: criteria provided, single submitter. Criteria: Invitae Variant Classification Sherloc (09022015). Collection method: clinical testing. Allele origin: germline.
Comment: This sequence change replaces lysine, which is basic and polar, with asparagine, which is neutral and polar, at codon 846 of the GUCY2D protein (p.Lys846Asn). This variant is not present in population databases (gnomAD no frequency). This missense change has been observed in individual(s) with autosomal dominant cone-rod dystrophy (PMID: 30319355). In at least one individual the variant was observed to be de novo. ClinVar contains an entry for this variant (Variation ID: 812329). Invitae Evidence Modeling of protein sequence and biophysical properties (such as structural, functional, and spatial information, amino acid conservation, physicochemical variation, residue mobility, and thermodynamic stability) indicates that this missense variant is not expected to disrupt GUCY2D protein function with a negative predictive value of 80%. Experimental studies have shown that this missense change affects GUCY2D function (PMID: 30319355). For these reasons, this variant has been classified as Pathogenic.

Sharon lab, Hadassah-Hebrew University Medical Center
Classification: Likely pathogenic for Cone-rod degeneration. Last evaluated: 2019-06-23. Review status: no assertion criteria provided. Collection method: research. Allele origin: inherited. Affected: yes. Not counted in ClinVar's aggregate classification.

Literature cited by the submitters: PubMed 30319355 (cited by Labcorp Genetics (formerly Invitae), Labcorp).